The following is an entry in ClinVar:

ClinVar aggregate classification (germline): Conflicting classifications of pathogenicity. Review status: criteria provided, conflicting classifications (1 of 4 stars). 2 submissions from 2 submitters: Uncertain significance (1); Likely benign (1). Last evaluated 2024-12-16.

Conditions:
Hereditary cancer-predisposing syndrome. Also called: Neoplastic Syndromes, Hereditary; Hereditary Cancer Syndrome; Hereditary neoplastic syndrome; Tumor predisposition. Identifiers: Orphanet 140162, MedGen C0027672, MeSH D009386, MONDO:0015356.
Cardiovascular phenotype. Identifiers: MedGen CN230736.
Neurofibromatosis, type 1 (NF1). Also called: Neurofibromatosis, type I; Peripheral type neurofibromatosis; VON RECKLINGHAUSEN DISEASE; NEUROFIBROMATOSIS, TYPE I, SOMATIC. Identifiers: Orphanet 636, MedGen C0027831, MONDO:0018975, OMIM 162200. Disease mechanism: loss of function.

Submissions (2):

Ambry Genetics
Classification: Likely benign for Cardiovascular phenotype; Hereditary cancer-predisposing syndrome. Last evaluated: 2024-12-16. Review status: criteria provided, single submitter. Criteria: Ambry Variant Classification Scheme 2023. Collection method: clinical testing. Allele origin: germline.

Labcorp Genetics (formerly Invitae), Labcorp
Classification: Uncertain significance for Neurofibromatosis, type 1. Last evaluated: 2023-12-19. Review status: criteria provided, single submitter. Criteria: Invitae Variant Classification Sherloc (09022015). Collection method: clinical testing. Allele origin: germline.
Comment: This sequence change replaces aspartic acid, which is acidic and polar, with glycine, which is neutral and non-polar, at codon 1122 of the NF1 protein (p.Asp1122Gly). This variant is not present in population databases (gnomAD no frequency). This variant has not been reported in the literature in individuals affected with NF1-related conditions. ClinVar contains an entry for this variant (Variation ID: 823670). Advanced modeling of protein sequence and biophysical properties (such as structural, functional, and spatial information, amino acid conservation, physicochemical variation, residue mobility, and thermodynamic stability) performed at Invitae indicates that this missense variant is not expected to disrupt NF1 protein function with a negative predictive value of 95%. Algorithms developed to predict the effect of sequence changes on RNA splicing suggest that this variant may disrupt the consensus splice site. In summary, the available evidence is currently insufficient to determine the role of this variant in disease. Therefore, it has been classified as a Variant of Uncertain Significance.

NM_001042492.3(NF1):c.3365A>G (p.Asp1122Gly)

Gene: NF1 (neurofibromin 1; plus strand). Cytogenetic location: 17q11.2.
Variant type: single nucleotide variant.
Coding change: c.3365A>G on transcript NM_001042492.3 (MANE Select); coding-DNA position 3365, A replaced by G.
Protein change: p.Asp1122Gly; replaces aspartic acid 1122 with glycine.
Molecular consequence: missense variant.
Genome position (GRCh38, 1-based): chr17:31,232,750, A>G. VCF-style: chr17-31232750-A-G. GRCh37 (hg19) VCF-style: chr17-29559768-A-G.
Other names: c.3365A>G, p.Asp1122Gly (NM_000267.4); short protein forms D1122G.
Identifiers: ClinVar variation 823670 (VCV000823670.8), dbSNP rs1597719461, ClinGen allele CA398989077.